The following is an entry in ClinVar:

ClinVar aggregate classification (germline): Pathogenic (1 of 4 stars; one submission).

Submission:

Labcorp Genetics (formerly Invitae), Labcorp
Classification: Pathogenic. Last evaluated: 2023-09-26. Review status: criteria provided, single submitter. Criteria: Invitae Variant Classification Sherloc (09022015). Collection method: clinical testing. Allele origin: unknown.
Comment: This variant is a gross deletion of the genomic region encompassing exon(s) 5-7 of the ANO10 gene. This deletion is out-of-frame, and is expected to create a premature termination codon and result in an absent or disrupted protein product. Loss-of-function variants in ANO10 are known to be pathogenic (PMID: 25089919). This variant has not been reported in the literature in individuals affected with ANO10-related conditions. For these reasons, this variant has been classified as Pathogenic.

Literature cited by the submitters: PubMed 25089919.

NC_000003.11:g.(?_43616281)_(43621984_?)del

Gene: ANO10 (anoctamin 10; minus strand). Cytogenetic location: 3p22.1.
Variant type: Deletion.
Identifiers: ClinVar variation 3247032 (VCV003247032.1).